The following is an entry in ClinVar:

NM_031857.2(PCDHA9):c.1446T>G (p.Ala482=)

Genes: PCDHA1 (protocadherin alpha 1; plus strand), PCDHA2 (protocadherin alpha 2; plus strand), PCDHA3 (protocadherin alpha 3; plus strand), PCDHA4 (protocadherin alpha 4; plus strand), PCDHA5 (protocadherin alpha 5; plus strand) and 5 more. Cytogenetic location: 5q31.3.
Variant type: single nucleotide variant.
Coding change: c.1446T>G on transcript NM_031857.2 (MANE Select); coding-DNA position 1446, T replaced by G.
Protein change: p.Ala482=; no amino-acid change (alanine 482 retained).
Molecular consequence: synonymous variant. On other transcripts: intron variant (10).
Genome position (GRCh38, 1-based): chr5:140,849,941, T>G. VCF-style: chr5-140849941-T-G. GRCh37 (hg19) VCF-style: chr5-140229526-T-G.
Other names: c.1446T>G, p.Ala482= (NM_014005.5); c.2394+61257T>G (NM_018900.4); c.1602+62049T>G (NM_031411.3); c.2388+52589T>G (NM_018905.3); c.2394+46350T>G (NM_018906.3); c.2385+40369T>G (NM_018907.4); c.2352+25814T>G (NM_018908.3); c.2394+19456T>G (NM_018909.4); and 3 more.
Identifiers: ClinVar variation 3060256 (VCV003060256.2), dbSNP rs251356, ClinGen allele CA3450472.
Genomic context (GRCh38, chr5:140,849,941, plus strand): 5'-GTTCGTGAAGGAGAACAACCCGCCGGGCTGCCACATCTTCACGGTGTCTGCGCGGGACGC[T>G]GACGCGCAGGAGAACGCCCTGGTGTCCTACTCGCTGGTGGAGCGGCGGTTGGGCGAGCGC-3'
Protein context (NP_114063.1, residues 472-492): CHIFTVSARD[Ala482=]DAQENALVSY

ClinVar aggregate classification (germline): Likely benign (0 of 4 stars; one submission).

Conditions:
PCDHA9-related disorder. Also called: PCDHA9-related condition.

Allele frequency attached by ClinVar (database versions not stated): 1000 Genomes Project 30x 0.67411.
gnomAD v4.1: 1,006,911 of 1,597,380 alleles (63%); highest among the groups gnomAD compares: African/African-American, 85%; 351,403 homozygotes.

Submission:

PreventionGenetics, part of Exact Sciences
Classification: Likely benign for PCDHA9-related condition. Last evaluated: 2020-09-24. Review status: no assertion criteria provided. Collection method: clinical testing. Allele origin: germline.
Comment: This variant is classified as likely benign based on ACMG/AMP sequence variant interpretation guidelines (Richards et al. 2015 PMID: 25741868, with internal and published modifications).